The following is an entry in ClinVar:

ClinVar aggregate classification (germline): Uncertain significance. Review status: criteria provided, multiple submitters, no conflicts (2 of 4 stars). 3 submissions from 3 submitters: Uncertain significance (3). Last evaluated 2026-01-18.

Conditions:
Hereditary cancer-predisposing syndrome. Also called: Hereditary neoplastic syndrome; Neoplastic Syndromes, Hereditary; Tumor predisposition; Hereditary Cancer Syndrome. Identifiers: Orphanet 140162, MedGen C0027672, MeSH D009386, MONDO:0015356.
Neuroblastoma, susceptibility to, 3. Also called: ALK-Related Neuroblastic Tumor Susceptibility. Identifiers: Orphanet 635, MedGen C2751681, MONDO:0013083, OMIM 613014.

Allele frequency attached by ClinVar (database versions not stated): gnomAD exomes below 0.00001; gnomAD 0.00001.
gnomAD v4.1: 11 of 1,614,068 alleles (0.00068%); highest among the groups gnomAD compares: Non-Finnish European, 0.00076%; no homozygotes.

Submissions (3):

Labcorp Genetics (formerly Invitae), Labcorp
Classification: Uncertain significance for Neuroblastoma, susceptibility to, 3. Last evaluated: 2026-01-18. Review status: criteria provided, single submitter. Criteria: Invitae Variant Classification Sherloc (09022015). Collection method: clinical testing. Allele origin: germline.
Comment: This sequence change replaces arginine, which is basic and polar, with isoleucine, which is neutral and non-polar, at codon 373 of the ALK protein (p.Arg373Ile). The frequency data for this variant in the population databases is considered unreliable, as metrics indicate poor data quality at this position in the gnomAD database. This variant has not been reported in the literature in individuals affected with ALK-related conditions. ClinVar contains an entry for this variant (Variation ID: 1001113). An algorithm developed to predict the effect of missense changes on protein structure and function (PolyPhen-2) suggests that this variant is likely to be tolerated. In summary, the available evidence is currently insufficient to determine the role of this variant in disease. Therefore, it has been classified as a Variant of Uncertain Significance.

Ambry Genetics
Classification: Uncertain significance for Hereditary cancer-predisposing syndrome. Last evaluated: 2025-01-06. Review status: criteria provided, single submitter. Criteria: Ambry Variant Classification Scheme 2023. Collection method: clinical testing. Allele origin: germline.
Comment: The p.R373I variant (also known as c.1118G>T), located in coding exon 4 of the ALK gene, results from a G to T substitution at nucleotide position 1118. The arginine at codon 373 is replaced by isoleucine, an amino acid with similar properties. This amino acid position is conserved. In addition, this alteration is predicted to be tolerated by in silico analysis. Based on the available evidence, the clinical significance of this variant remains unclear.

GeneDx
Classification: Uncertain significance. Last evaluated: 2023-05-08. Review status: criteria provided, single submitter. Criteria: GeneDx Variant Classification Process June 2021. Collection method: clinical testing. Allele origin: germline. Affected: yes.
Comment: Not observed at significant frequency in large population cohorts (gnomAD); In silico analysis supports that this missense variant does not alter protein structure/function; Has not been previously published as pathogenic or benign to our knowledge; This variant is associated with the following publications: (PMID: 25428177, 29617658)

NM_004304.5(ALK):c.1118G>T (p.Arg373Ile)

Gene: ALK (ALK receptor tyrosine kinase; minus strand). Cytogenetic location: 2p23.2.
Variant type: single nucleotide variant.
Coding change: c.1118G>T on transcript NM_004304.5 (MANE Select); coding-DNA position 1118, G replaced by T.
Protein change: p.Arg373Ile; replaces arginine 373 with isoleucine.
Molecular consequence: missense variant.
Genome position (GRCh38, 1-based): chr2:29,531,951, C>A on the plus strand (G>T on the coding strand, the complement: ALK is on the minus strand). VCF-style: chr2-29531951-C-A. GRCh37 (hg19) VCF-style: chr2-29754817-C-A.
Other names: c.1118G>T (NM_004304.4); short protein forms R373I.
Identifiers: ClinVar variation 1001113 (VCV001001113.8), dbSNP rs1318677209, ClinGen allele CA346587239.
Genomic context (GRCh38, chr2:29,531,951, plus strand): 5'-TTTTGGACATGGAGAAGTACTTACCCATGCTTCCCTGGAGTGGGCATCAGGAGGATCTCT[C>A]TTGCAGCCTCGTTGTGGGGCAGCAGCTGGGCAATGTACCTTCCAGAGGGCTGCAGGTGCC-3'
Protein context (NP_004295.2, residues 363-383): AQLLPHNEAA[Arg373Ile]EILLMPTPGK